The following is an entry in ClinVar:

NM_152383.5(DIS3L2):c.1718A>T (p.Tyr573Phe)

Gene: DIS3L2 (DIS3 like 3'-5' exoribonuclease 2; plus strand). Cytogenetic location: 2q37.1.
Variant type: single nucleotide variant.
Coding change: c.1718A>T on transcript NM_152383.5 (MANE Select); coding-DNA position 1718, A replaced by T.
Protein change: p.Tyr573Phe; replaces tyrosine 573 with phenylalanine.
Molecular consequence: missense variant. On other transcripts: non-coding transcript variant (2), intron variant (1).
Genome position (GRCh38, 1-based): chr2:232,300,098, A>T. VCF-style: chr2-232300098-A-T. GRCh37 (hg19) VCF-style: chr2-233164808-A-T.
Other names: c.1581+36736A>T (NM_001257281.2); short protein forms Y573F.
Identifiers: ClinVar variation 2875738 (VCV002875738.3), dbSNP rs1559200124, ClinGen allele CA350978675.

ClinVar aggregate classification (germline): Uncertain significance (1 of 4 stars; one submission).

Conditions:
Perlman syndrome (PRLMNS). Identifiers: Orphanet 2849, MedGen C0796113, MONDO:0009965, OMIM 267000.

Submission:

Labcorp Genetics (formerly Invitae), Labcorp
Classification: Uncertain significance for Perlman syndrome. Last evaluated: 2022-12-15. Review status: criteria provided, single submitter. Criteria: Invitae Variant Classification Sherloc (09022015). Collection method: clinical testing. Allele origin: germline.
Comment: This sequence change replaces tyrosine, which is neutral and polar, with phenylalanine, which is neutral and non-polar, at codon 573 of the DIS3L2 protein (p.Tyr573Phe). This variant is not present in population databases (gnomAD no frequency). This variant has not been reported in the literature in individuals affected with DIS3L2-related conditions. Advanced modeling of protein sequence and biophysical properties (such as structural, functional, and spatial information, amino acid conservation, physicochemical variation, residue mobility, and thermodynamic stability) performed at Invitae indicates that this missense variant is not expected to disrupt DIS3L2 protein function. In summary, the available evidence is currently insufficient to determine the role of this variant in disease. Therefore, it has been classified as a Variant of Uncertain Significance.